The following is an entry in ClinVar:

NM_000302.4(PLOD1):c.1533C>G (p.Tyr511Ter)

Gene: PLOD1 (procollagen-lysine,2-oxoglutarate 5-dioxygenase 1; plus strand). Cytogenetic location: 1p36.22.
Variant type: single nucleotide variant.
Coding change: c.1533C>G on transcript NM_000302.4 (MANE Select); coding-DNA position 1533, C replaced by G.
Protein change: p.Tyr511Ter; replaces tyrosine 511 with a stop codon.
Molecular consequence: nonsense.
Genome position (GRCh38, 1-based): chr1:11,965,542, C>G. VCF-style: chr1-11965542-C-G. GRCh37 (hg19) VCF-style: chr1-12025599-C-G.
Other names: p.Tyr511*; c.1674C>G, p.Tyr558Ter (NM_001316320.2); short protein forms Y511*, Y558*.
Identifiers: ClinVar variation 14370 (VCV000014370.33), dbSNP rs121913552, ClinGen allele CA281014.

ClinVar aggregate classification (germline): Pathogenic. Review status: criteria provided, multiple submitters, no conflicts (2 of 4 stars). 12 submissions from 12 submitters: Pathogenic (9). 3 of the submissions do not count toward it. Last evaluated 2025-12-21.

Conditions:
PLOD1-related disorder. Also called: PLOD1-related condition.
Ehlers-Danlos syndrome (EDS). Identifiers: Orphanet 98249, MedGen C0013720, MONDO:0020066.
Familial thoracic aortic aneurysm and aortic dissection (TAAD). Also called: Thoracic aortic aneurysms and dissections. Identifiers: Orphanet 91387, MedGen C4707243, MONDO:0019625.
Ehlers-Danlos syndrome, kyphoscoliotic type 1 (EDSKSCL1). Also called: Ehlers-Danlos syndrome, hydroxylysine-deficient; EHLERS-DANLOS SYNDROME, TYPE VIA; EHLERS-DANLOS SYNDROME, OCULAR-SCOLIOTIC TYPE; PLOD1-Related Kyphoscoliotic Ehlers-Danlos Syndrome. Identifiers: Orphanet 1900, MedGen C0268342, MONDO:0016002, OMIM 225400. Disease mechanism: loss of function.

Allele frequency attached by ClinVar (database versions not stated): gnomAD exomes 0.00001 and 0.00013; ExAC 0.00002; gnomAD 0.00002 and 0.00003; TOPMed 0.00004.

Submissions (12):

Labcorp Genetics (formerly Invitae), Labcorp
Classification: Pathogenic for Ehlers-Danlos syndrome, kyphoscoliotic type 1. Last evaluated: 2025-12-21. Review status: criteria provided, single submitter. Criteria: Invitae Variant Classification Sherloc (09022015). Collection method: clinical testing. Allele origin: germline.
Comment: This sequence change creates a premature translational stop signal (p.Tyr511*) in the PLOD1 gene. It is expected to result in an absent or disrupted protein product. Loss-of-function variants in PLOD1 are known to be pathogenic (PMID: 10874315, 21699693). This variant is present in population databases (rs121913552, gnomAD 0.004%). This premature translational stop signal has been observed in individuals with Ehlers-Danlos syndrome type VI (PMID: 9220536, 10329027). ClinVar contains an entry for this variant (Variation ID: 14370). For these reasons, this variant has been classified as Pathogenic.

Ambry Genetics
Classification: Pathogenic for Familial thoracic aortic aneurysm and aortic dissection. Last evaluated: 2024-11-12. Review status: criteria provided, single submitter. Criteria: Ambry Variant Classification Scheme 2023. Collection method: clinical testing. Allele origin: germline.
Comment: The p.Y511* pathogenic mutation (also known as c.1533C>G), located in coding exon 14 of the PLOD1 gene, results from a C to G substitution at nucleotide position 1533. This changes the amino acid from a tyrosine to a stop codon within coding exon 14. This alteration has been reported in patients with kyphoscoliotic Ehlers-Danlos syndrome (Yeowell HN et al. Proc. Assoc. Am. Physicians, 1997 Jul;109:383-96; Walker LC et al. Mol. Genet. Metab., 1999 May;67:74-82). This variant is considered to be rare based on population cohorts in the Genome Aggregation Database (gnomAD). In addition to the clinical data presented in the literature, this alteration is expected to result in loss of function by premature protein truncation or nonsense-mediated mRNA decay. As such, this alteration is interpreted as a disease-causing mutation.

Fulgent Genetics
Classification: Pathogenic for Ehlers-Danlos syndrome, kyphoscoliotic type 1. Last evaluated: 2024-06-25. Review status: criteria provided, single submitter. Criteria: ACMG Guidelines, 2015. Collection method: clinical testing. Allele origin: germline.

GeneDx
Classification: Pathogenic. Last evaluated: 2023-06-06. Review status: criteria provided, single submitter. Criteria: GeneDx Variant Classification Process June 2021. Collection method: clinical testing. Allele origin: germline. Affected: yes.
Comment: Not observed at significant frequency in large population cohorts (gnomAD); Functional studies performed on patient fibroblasts demonstrated this variant may result in exon skipping, which results in a truncated protein product missing the 38 amino acids encoded by exon 14, and results in significantly reduced lysyl hydroxylase activity (Walker et al., 1999; Pousi et al., 2000; Yeowell et al., 2000); Nonsense variant predicted to result in protein truncation or nonsense mediated decay in a gene for which loss of function is a known mechanism of disease; This variant is associated with the following publications: (PMID: 20301635, 25525159, 9220536, 10329027, 10729709, 10874315, 31345219)

Mayo Clinic Laboratories, Mayo Clinic
Classification: Pathogenic. Last evaluated: 2022-07-19. Review status: criteria provided, single submitter. Criteria: ACMG Guidelines, 2015. Collection method: clinical testing. Allele origin: germline. Observed: 1 variant allele.
Comment: PP4, PM3_strong, PS3, PS4, PVS1

Genome Diagnostics Laboratory, The Hospital for Sick Children
Classification: Pathogenic for Ehlers-Danlos syndrome. Last evaluated: 2021-07-15. Review status: criteria provided, single submitter. Criteria: ACMG Guidelines, 2015. Collection method: clinical testing. Allele origin: germline.

Revvity Omics, Revvity
Classification: Pathogenic for Ehlers-Danlos syndrome, kyphoscoliotic type 1. Last evaluated: 2020-03-24. Review status: criteria provided, single submitter. Criteria: ACMG Guidelines, 2015. Collection method: clinical testing. Allele origin: germline.

Laboratory for Molecular Medicine, Mass General Brigham Personalized Medicine
Classification: Pathogenic for Ehlers-Danlos syndrome. Last evaluated: 2019-04-16. Review status: criteria provided, single submitter. Criteria: ACMG Guidelines, 2015. Collection method: clinical testing. Allele origin: germline. Inheritance: Autosomal recessive inheritance.
Comment: The p.Tyr511X variant in PLOD1 has been reported in 2 homozygous and 2 compound heterozygous individuals with Ehlers-Danlos syndrome type VI (Walker 1999, Yeowell and Walker 1997, Yeowell 2000). It has also been identified in 2/128944 of European chromosomes by gnomAD. However, this frequency is low enough to be consistent with a recessive carrier frequency. This variant has also been reported in ClinVar (Variation ID 14370). This nonsense variant leads to a premature termination codon at position 511, which is predicted to lead to a truncated or absent protein. Loss of function of the PLOD1 gene is strongly associated with autosomal recessive Ehlers-Danlos syndrome type VI. In summary, this variant meets criteria to be classified as pathogenic for autosomal recessive Ehlers-Danlos syndrome type VI. ACMG/AMP Criteria applied: PVS1_Strong, PM3_Strong, PM2_Supporting.

Baylor Genetics
Classification: Pathogenic for Ehlers-Danlos syndrome, kyphoscoliotic type 1. Last evaluated: 2017-09-01. Review status: criteria provided, single submitter. Criteria: ACMG Guidelines, 2015. Collection method: clinical testing. Allele origin: germline. Inheritance: Autosomal recessive inheritance.

PreventionGenetics, part of Exact Sciences
Classification: Pathogenic for PLOD1-related condition. Last evaluated: 2024-04-24. Review status: no assertion criteria provided. Collection method: clinical testing. Allele origin: germline. Not counted in ClinVar's aggregate classification.
Comment: The PLOD1 c.1533C>G variant is predicted to result in premature protein termination (p.Tyr511*). This variant was reported, along with another pathogenic variant, in an individual with Ehlers-Danlos syndrome VI (Yeowell et al. 1997. PubMed ID: 9220536). This variant is reported in 0.0040% of alleles in individuals of African descent in gnomAD. Nonsense variants in PLOD1 are expected to be pathogenic. This variant is interpreted as pathogenic.

OMIM
Classification: Pathogenic for EHLERS-DANLOS SYNDROME, KYPHOSCOLIOTIC TYPE, 1. Last evaluated: 2000-09-01. Review status: no assertion criteria provided. Collection method: literature only. Allele origin: germline. Not counted in ClinVar's aggregate classification.

GeneReviews
No classification provided. Condition: Ehlers-Danlos syndrome, kyphoscoliotic type 1. Review status: no classification provided. Collection method: literature only. Allele origin: germline. Not counted in ClinVar's aggregate classification.

Literature cited by the submitters: PubMed 10874315 (cited by 3 submitters); PubMed 21699693 (cited by Labcorp Genetics (formerly Invitae), Labcorp); PubMed 9220536 (cited by 5 submitters); PubMed 10329027 (cited by 5 submitters); PubMed 10686424 (cited by Ambry Genetics); PubMed 10729709 (cited by Mayo Clinic Laboratories, Mayo Clinic); PubMed 28306225 (cited by Mayo Clinic Laboratories, Mayo Clinic and GeneReviews); PubMed 25326635 (cited by Baylor Genetics); PubMed 9893157 (cited by OMIM); PubMed 11001813 (cited by OMIM); NCBI Bookshelf NBK1462 (cited by GeneReviews).